The following is an entry in ClinVar:

ClinVar aggregate classification (germline): Uncertain significance. Review status: criteria provided, multiple submitters, no conflicts (2 of 4 stars). 2 submissions from 2 submitters: Uncertain significance (2). Last evaluated 2025-10-01.

Conditions:
EFEMP2-related disorder. Also called: EFEMP2-related condition.
Cardiovascular phenotype. Identifiers: MedGen CN230736.

Submissions (2):

PreventionGenetics, part of Exact Sciences
Classification: Uncertain significance for EFEMP2-related condition. Last evaluated: 2025-10-01. Review status: criteria provided, single submitter. Criteria: ACMG Guidelines, 2015. Collection method: clinical testing. Allele origin: germline.
Comment: The EFEMP2 c.579G>T variant is predicted to result in the amino acid substitution p.Gln193His. To our knowledge, this variant has not been reported in the literature or in a large population database (gnomAD), indicating this variant is rare. At this time, the clinical significance of this variant is uncertain due to the absence of conclusive functional and genetic evidence.

Ambry Genetics
Classification: Uncertain significance for Cardiovascular phenotype. Last evaluated: 2024-12-28. Review status: criteria provided, single submitter. Criteria: Ambry Variant Classification Scheme 2023. Collection method: clinical testing. Allele origin: germline.
Comment: The p.Q193H variant (also known as c.579G>T), located in coding exon 5 of the EFEMP2 gene, results from a G to T substitution at nucleotide position 579. The glutamine at codon 193 is replaced by histidine, an amino acid with highly similar properties. This amino acid position is conserved. In addition, the in silico prediction for this alteration is inconclusive. Based on the available evidence, the clinical significance of this variant remains unclear.

NM_016938.5(EFEMP2):c.579G>T (p.Gln193His)

Gene: EFEMP2 (EGF-like fibulin extracellular matrix protein 2; minus strand). Cytogenetic location: 11q13.1.
Variant type: single nucleotide variant.
Coding change: c.579G>T on transcript NM_016938.5 (MANE Select); coding-DNA position 579, G replaced by T.
Protein change: p.Gln193His; replaces glutamine 193 with histidine.
Molecular consequence: missense variant. On other transcripts: non-coding transcript variant (1).
Genome position (GRCh38, 1-based): chr11:65,870,149, C>A on the plus strand (G>T on the coding strand, the complement: EFEMP2 is on the minus strand). VCF-style: chr11-65870149-C-A. GRCh37 (hg19) VCF-style: chr11-65637620-C-A.
Other names: short protein forms Q193H.
Identifiers: ClinVar variation 3843633 (VCV003843633.2).
Genomic context (GRCh38, chr11:65,870,149, plus strand): 5'-GGACCCAGGAGCCTGGCCCAGCCCAGCCTCACCAACACAGGAGCGGTTGTTAGGCCCCAG[C>A]TGGAAGCCCGGCTCGCACTGGCAGCGGAAGGAGCCAGGCAGGTTCACGCAGCGGTGCTGG-3'
Protein context (NP_058634.4, residues 183-203): SFRCQCEPGF[Gln193His]LGPNNRSCVD